The following is an entry in ClinVar:

ClinVar aggregate classification (germline): Uncertain significance (1 of 4 stars; one submission).

Conditions:
Inborn genetic diseases. Identifiers: MedGen C0950123, MeSH D030342.

gnomAD v4.1: 8 of 1,614,054 alleles (0.0005%); highest among the groups gnomAD compares: South Asian, 0.0077%; no homozygotes.

Submission:

Ambry Genetics
Classification: Uncertain significance for Inborn genetic diseases. Last evaluated: 2025-11-04. Review status: criteria provided, single submitter. Criteria: Ambry Variant Classification Scheme 2023. Collection method: clinical testing. Allele origin: germline.
Comment: The p.E420D variant (also known as c.1260G>C), located in coding exon 14 of the FANCA gene, results from a G to C substitution at nucleotide position 1260. The glutamic acid at codon 420 is replaced by aspartic acid, an amino acid with highly similar properties. This amino acid position is conserved. In addition, the in silico prediction for this alteration is inconclusive. Based on the available evidence, the clinical significance of this variant remains unclear.

NM_000135.4(FANCA):c.1260G>C (p.Glu420Asp)

Gene: FANCA (FA complementation group A; minus strand). Cytogenetic location: 16q24.3.
Variant type: single nucleotide variant.
Coding change: c.1260G>C on transcript NM_000135.4 (MANE Select); coding-DNA position 1260, G replaced by C.
Protein change: p.Glu420Asp; replaces glutamic acid 420 with aspartic acid.
Molecular consequence: missense variant.
Genome position (GRCh38, 1-based): chr16:89,791,502, C>G on the plus strand (G>C on the coding strand, the complement: FANCA is on the minus strand). VCF-style: chr16-89791502-C-G. GRCh37 (hg19) VCF-style: chr16-89857910-C-G.
Other names: c.1260G>C, p.Glu420Asp (NM_001286167.3); short protein forms E420D.
Identifiers: ClinVar variation 4022387 (VCV004022387.2).